The following is an entry in ClinVar:

ClinVar aggregate classification (germline): Uncertain significance (1 of 4 stars; one submission).

Conditions:
Combined immunodeficiency due to DOCK8 deficiency (HIES2). Also called: HYPER-IgE SYNDROME 2, AUTOSOMAL RECESSIVE, WITH RECURRENT INFECTIONS; DOCK8 Deficiency; HIES autosomal recessive; Hyper-IgE recurrent infection syndrome, autosomal recessive; HYPER-IgE RECURRENT INFECTION SYNDROME 2, AUTOSOMAL RECESSIVE. Identifiers: Orphanet 217390, MedGen C4722305, MONDO:0009478, OMIM 243700.

Submission:

Labcorp Genetics (formerly Invitae), Labcorp
Classification: Uncertain significance for Combined immunodeficiency due to DOCK8 deficiency. Last evaluated: 2023-01-21. Review status: criteria provided, single submitter. Criteria: Invitae Variant Classification Sherloc (09022015). Collection method: clinical testing. Allele origin: germline.
Comment: In summary, the available evidence is currently insufficient to determine the role of this variant in disease. Therefore, it has been classified as a Variant of Uncertain Significance. Advanced modeling of protein sequence and biophysical properties (such as structural, functional, and spatial information, amino acid conservation, physicochemical variation, residue mobility, and thermodynamic stability) performed at Invitae indicates that this missense variant is not expected to disrupt DOCK8 protein function. This variant has not been reported in the literature in individuals affected with DOCK8-related conditions. This variant is not present in population databases (gnomAD no frequency). This sequence change replaces proline, which is neutral and non-polar, with alanine, which is neutral and non-polar, at codon 97 of the DOCK8 protein (p.Pro97Ala).

NM_203447.4(DOCK8):c.289C>G (p.Pro97Ala)

Genes: DOCK8 (dedicator of cytokinesis 8; plus strand), LOC126860552 (BRD4-independent group 4 enhancer GRCh37_chr9:285795-286994; plus strand). Cytogenetic location: 9p24.3.
Variant type: single nucleotide variant.
Coding change: c.289C>G on transcript NM_203447.4 (MANE Select); coding-DNA position 289, C replaced by G.
Protein change: p.Pro97Ala; replaces proline 97 with alanine.
Molecular consequence: missense variant.
Genome position (GRCh38, 1-based): chr9:286,593, C>G. VCF-style: chr9-286593-C-G. GRCh37 (hg19) VCF-style: chr9-286593-C-G.
Other names: c.85C>G, p.Pro29Ala (NM_001190458.2, NM_001193536.2); short protein forms P29A, P97A.
Identifiers: ClinVar variation 2796412 (VCV002796412.3), dbSNP rs529208, ClinGen allele CA372756374.
Genomic context (GRCh38, chr9:286,593, plus strand): 5'-GTGCAGCTTGCCCAGGAGCTCGGGGACTTCACTGATGACGACTTGGACGTGGTGTTCACG[C>G]CAAAGGAATGTAGGACTTTGCAGCCCTCTTTGCCGGAGGAAGGGTAAATAGTTTTCTAAA-3'
Protein context (NP_982272.2, residues 87-107): TDDDLDVVFT[Pro97Ala]KECRTLQPSL